The following is an entry in ClinVar:

NM_004817.4(TJP2):c.1182A>G (p.Ser394=)

Gene: TJP2 (tight junction protein 2; plus strand). Cytogenetic location: 9q21.11.
Variant type: single nucleotide variant.
Coding change: c.1182A>G on transcript NM_004817.4 (MANE Select); coding-DNA position 1182, A replaced by G.
Protein change: p.Ser394=; no amino-acid change (serine 394 retained).
Molecular consequence: synonymous variant.
Genome position (GRCh38, 1-based): chr9:69,226,147, A>G. VCF-style: chr9-69226147-A-G. GRCh37 (hg19) VCF-style: chr9-71841063-A-G.
Other names: c.1113A>G, p.Ser371= (NM_001170414.2, NM_001369870.1, NM_001369871.1); c.1194A>G, p.Ser398= (NM_001170415.1, NM_001369874.1, NM_001369875.1); c.1275A>G, p.Ser425= (NM_001170416.2); c.1182A>G, p.Ser394= (NM_001369872.1, NM_001369873.1, NM_201629.3); c.1182A>G (NM_004817.3).
Identifiers: ClinVar variation 4903252 (VCV004903252.2).

ClinVar aggregate classification (germline): Likely benign. Review status: criteria provided, multiple submitters, no conflicts (2 of 4 stars). 2 submissions from 2 submitters: Likely benign (2). Last evaluated 2025-03-15.

Conditions:
TJP2-related disorder. Also called: TJP2-related condition.

gnomAD v4.1: 1 of 1,614,174 alleles (0.000062%); highest among the groups gnomAD compares: Non-Finnish European, 0.000085%; no homozygotes.

Submissions (2):

PreventionGenetics, part of Exact Sciences
Classification: Likely benign for TJP2-related condition. Last evaluated: 2025-03-15. Review status: criteria provided, single submitter. Criteria: ACMG Guidelines, 2015. Collection method: clinical testing. Allele origin: germline.
Comment: This variant is classified as likely benign based on ACMG/AMP sequence variant interpretation guidelines (Richards et al. 2015 PMID: 25741868, with internal and published modifications).

Blueprint Genetics
Classification: Likely benign. Last evaluated: 2020-09-24. Review status: criteria provided, single submitter. Criteria: ACMG Guidelines, 2015. Collection method: clinical testing. Allele origin: germline.